The following is an entry in ClinVar:

NM_005359.6(SMAD4):c.30A>T (p.Pro10=)

Gene: SMAD4 (SMAD family member 4; plus strand). Cytogenetic location: 18q21.2.
Variant type: single nucleotide variant.
Coding change: c.30A>T on transcript NM_005359.6 (MANE Select); coding-DNA position 30, A replaced by T.
Protein change: p.Pro10=; no amino-acid change (proline 10 retained).
Molecular consequence: synonymous variant.
Genome position (GRCh38, 1-based): chr18:51,047,076, A>T. VCF-style: chr18-51047076-A-T. GRCh37 (hg19) VCF-style: chr18-48573446-A-T.
Identifiers: ClinVar variation 1665722 (VCV001665722.12), dbSNP rs761044209, ClinGen allele CA8965722.

ClinVar aggregate classification (germline): Benign/Likely benign. Review status: criteria provided, multiple submitters, no conflicts (2 of 4 stars). 3 submissions from 3 submitters: Benign (1); Likely benign (2). Last evaluated 2025-04-11.

Conditions:
Familial thoracic aortic aneurysm and aortic dissection (TAAD). Also called: Thoracic aortic aneurysms and dissections. Identifiers: Orphanet 91387, MedGen C4707243, MONDO:0019625.
Hereditary cancer-predisposing syndrome. Also called: Neoplastic Syndromes, Hereditary; Tumor predisposition; Hereditary Cancer Syndrome; Hereditary neoplastic syndrome. Identifiers: Orphanet 140162, MedGen C0027672, MeSH D009386, MONDO:0015356.
Juvenile polyposis syndrome (JPS). Identifiers: Orphanet 2929, MedGen C0345893, MONDO:0017380, OMIM 174900.
Juvenile polyposis/hereditary hemorrhagic telangiectasia syndrome (JPHT). Also called: Juvenile Polyposis Syndrome / Hereditary Hemorrhagic Telangiectasia (JPS/HHT); JP/HHT SYNDROME; JUVENILE POLYPOSIS WITH HEREDITARY HEMORRHAGIC TELANGIECTASIA; POLYPOSIS, GENERALIZED JUVENILE, WITH PULMONARY ARTERIOVENOUS MALFORMATION; TELANGIECTASIA, HEREDITARY HEMORRHAGIC, WITH JUVENILE POLYPOSIS COLI. Identifiers: Orphanet 2929, MedGen C1832942, MONDO:0008278, OMIM 175050.

Allele frequency attached by ClinVar (database versions not stated): gnomAD exomes below 0.00001; ExAC 0.00001.
gnomAD v4.1: 1 of 1,613,866 alleles (0.000062%); highest among the groups gnomAD compares: Admixed American, 0.0017%; no homozygotes.

Submissions (3):

Labcorp Genetics (formerly Invitae), Labcorp
Classification: Likely benign for Juvenile polyposis syndrome. Last evaluated: 2025-04-11. Review status: criteria provided, single submitter. Criteria: Invitae Variant Classification Sherloc (09022015). Collection method: clinical testing. Allele origin: germline.

Myriad Genetics, Inc.
Classification: Benign for Juvenile polyposis/hereditary hemorrhagic telangiectasia syndrome. Last evaluated: 2025-03-18. Review status: criteria provided, single submitter. Criteria: Myriad Autosomal Dominant, Autosomal Recessive and X-Linked Classification Criteria (2023). Collection method: clinical testing. Allele origin: unknown.
Comment: This variant is considered benign. This variant is a silent/synonymous amino acid change and it is not expected to impact splicing.

Ambry Genetics
Classification: Likely benign for Hereditary cancer-predisposing syndrome; Familial thoracic aortic aneurysm and aortic dissection. Last evaluated: 2017-10-24. Review status: criteria provided, single submitter. Criteria: Ambry Variant Classification Scheme 2023. Collection method: clinical testing. Allele origin: germline.